The following is an entry in ClinVar:

NM_001267550.2(TTN):c.94711G>A (p.Val31571Met)

Genes: TTN (titin; minus strand), TTN-AS1 (TTN antisense RNA 1; plus strand). Cytogenetic location: 2q31.2.
Variant type: single nucleotide variant.
Coding change: c.94711G>A on transcript NM_001267550.2 (MANE Select); coding-DNA position 94711, G replaced by A.
Protein change: p.Val31571Met; replaces valine 31571 with methionine.
Molecular consequence: missense variant.
Genome position (GRCh38, 1-based): chr2:178,546,717, C>T on the plus strand (G>A on the coding strand, the complement: TTN is on the minus strand). VCF-style: chr2-178546717-C-T. GRCh37 (hg19) VCF-style: chr2-179411444-C-T.
Other names: c.89788G>A, p.Val29930Met (NM_001256850.1); c.67516G>A, p.Val22506Met (NM_003319.4); c.87007G>A, p.Val29003Met (NM_133378.4); c.67891G>A, p.Val22631Met (NM_133432.3); c.68092G>A, p.Val22698Met (NM_133437.4); c.94711G>A (NM_001267550.1); short protein forms V22506M, V22631M, V22698M, V29003M, V29930M, V31571M.
Identifiers: ClinVar variation 1329220 (VCV001329220.6), dbSNP rs140081451, ClinGen allele CA60972536.

ClinVar aggregate classification (germline): Conflicting classifications of pathogenicity. Review status: criteria provided, conflicting classifications (1 of 4 stars). 5 submissions from 5 submitters: Uncertain significance (4); Likely benign (1). Last evaluated 2025-07-01.

Conditions:
Dilated cardiomyopathy 1G (CMD1G). Identifiers: Orphanet 154, MedGen C1858763, MONDO:0011400, OMIM 604145.
Hypertrophic cardiomyopathy 9. Also called: Familial hypertrophic cardiomyopathy 9. Identifiers: MedGen C1861065, MONDO:0013412, OMIM 613765.
Early-onset myopathy with fatal cardiomyopathy (CMYO5). Also called: Salih Myopathy; CONGENITAL MYOPATHY 5 WITH CARDIOMYOPATHY. Identifiers: Orphanet 289377, MedGen C2673677, MONDO:0012714, OMIM 611705. Disease mechanism: loss of function.
Tibial muscular dystrophy (TMD). Also called: UDD MYOPATHY; Tibial muscular dystrophy, tardive; Udd Distal Myopathy – Tibial Muscular Dystrophy. Identifiers: Orphanet 609, MedGen C1838244, MONDO:0010870, OMIM 600334.
Autosomal recessive limb-girdle muscular dystrophy type 2J (LGMDR10). Also called: Limb-girdle muscular dystrophy, type 2J; MUSCULAR DYSTROPHY, LIMB-GIRDLE, AUTOSOMAL RECESSIVE 10. Identifiers: Orphanet 140922, MedGen C1837342, MONDO:0012127, OMIM 608807.
Myopathy, myofibrillar, 9, with early respiratory failure (MFM9). Also called: Hereditary myopathy with early respiratory failure; EDSTROM MYOPATHY; MYOPATHY, PROXIMAL, WITH EARLY RESPIRATORY MUSCLE INVOLVEMENT; Myopathy, distal, with early respiratory failure, autosomal dominant. Identifiers: Orphanet 178464, Orphanet 34521, MedGen C1863599, MONDO:0011362, OMIM 603689.
Cardiomyopathy (CMYO). Also called: Cardiomyopathies. Identifiers: Orphanet 167848, MedGen C0878544, MONDO:0004994, HP:0001638. Inheritance: Various modes of inheritance.
TTN-related disorder. Also called: TTN-related disorders; TTN-related condition; TTN-related disease.

Allele frequency attached by ClinVar (database versions not stated): gnomAD exomes below 0.00001 and 0.00002; gnomAD 0.00002 and 0.00003; TOPMed 0.00002.
gnomAD v4.1: 33 of 1,613,792 alleles (0.002%); highest among the groups gnomAD compares: Non-Finnish European, 0.0027%; no homozygotes.

Submissions (5):

PreventionGenetics, part of Exact Sciences
Classification: Uncertain significance for TTN-related condition. Last evaluated: 2025-07-01. Review status: criteria provided, single submitter. Criteria: ACMG Guidelines, 2015. Collection method: clinical testing. Allele origin: germline.
Comment: The TTN c.94711G>A variant is predicted to result in the amino acid substitution p.Val31571Met. To our knowledge, this variant has not been reported in the literature. This variant is reported in 0.00089% of alleles in individuals of European (Non-Finnish) descent in gnomAD. At this time, the clinical significance of this variant is uncertain due to the absence of conclusive functional and genetic evidence.

Molecular Diagnostic Laboratory for Inherited Cardiovascular Disease, Montreal Heart Institute
Classification: Likely benign. Last evaluated: 2025-04-09. Review status: criteria provided, single submitter. Criteria: ACMG Guidelines, 2015. Collection method: clinical testing. Allele origin: germline. Affected: no.

GeneDx
Classification: Uncertain significance. Last evaluated: 2024-03-08. Review status: criteria provided, single submitter. Criteria: GeneDx Variant Classification Process June 2021. Collection method: clinical testing. Allele origin: germline. Affected: yes.
Comment: Not observed at significant frequency in large population cohorts (gnomAD); Missense variant in a gene in which most reported pathogenic variants are truncating/loss of function; Has not been previously published as pathogenic or benign to our knowledge

Fulgent Genetics
Classification: Uncertain significance for Tibial muscular dystrophy; Myopathy, myofibrillar, 9, with early respiratory failure; Dilated cardiomyopathy 1G; Autosomal recessive limb-girdle muscular dystrophy type 2J; Early-onset myopathy with fatal cardiomyopathy; Hypertrophic cardiomyopathy 9. Last evaluated: 2021-09-14. Review status: criteria provided, single submitter. Criteria: ACMG Guidelines, 2015. Collection method: clinical testing. Allele origin: unknown.

CHEO Genetics Diagnostic Laboratory, Children's Hospital of Eastern Ontario
Classification: Uncertain significance for Cardiomyopathy. Last evaluated: 2020-11-25. Review status: criteria provided, single submitter. Criteria: ACMG Guidelines, 2015. Collection method: clinical testing. Allele origin: germline.